The following is an entry in ClinVar:

NM_001267550.2(TTN):c.85768C>T (p.Arg28590Ter)

Genes: TTN (titin; minus strand), TTN-AS1 (TTN antisense RNA 1; plus strand). Cytogenetic location: 2q31.2.
Variant type: single nucleotide variant.
Coding change: c.85768C>T on transcript NM_001267550.2 (MANE Select); coding-DNA position 85768, C replaced by T.
Protein change: p.Arg28590Ter; replaces arginine 28590 with a stop codon.
Molecular consequence: nonsense.
Genome position (GRCh38, 1-based): chr2:178,560,364, G>A on the plus strand (C>T on the coding strand, the complement: TTN is on the minus strand). VCF-style: chr2-178560364-G-A. GRCh37 (hg19) VCF-style: chr2-179425091-G-A.
Other names: p.Arg26949*; c.80845C>T, p.Arg26949Ter (NM_001256850.1); c.58573C>T, p.Arg19525Ter (NM_003319.4); c.78064C>T, p.Arg26022Ter (NM_133378.4); c.58948C>T, p.Arg19650Ter (NM_133432.3); c.59149C>T, p.Arg19717Ter (NM_133437.4); c.85768C>T (NM_001267550.1); short protein forms R26949*, R28590*, R19525*, R19650*, R19717*, R26022*.
Identifiers: ClinVar variation 488732 (VCV000488732.16), dbSNP rs748689777, ClinGen allele CA349548048.

ClinVar aggregate classification (germline): Pathogenic/Likely pathogenic. Review status: criteria provided, multiple submitters, no conflicts (2 of 4 stars). 6 submissions from 6 submitters: Pathogenic (5); Likely pathogenic (1). Last evaluated 2026-01-28.

Conditions:
Autosomal recessive limb-girdle muscular dystrophy type 2J (LGMDR10). Also called: Limb-girdle muscular dystrophy, type 2J; MUSCULAR DYSTROPHY, LIMB-GIRDLE, AUTOSOMAL RECESSIVE 10. Identifiers: Orphanet 140922, MedGen C1837342, MONDO:0012127, OMIM 608807.
Dilated cardiomyopathy 1G (CMD1G). Identifiers: Orphanet 154, MedGen C1858763, MONDO:0011400, OMIM 604145.
Cardiovascular phenotype. Identifiers: MedGen CN230736.
Tibial muscular dystrophy (TMD). Also called: UDD MYOPATHY; Tibial muscular dystrophy, tardive; Udd Distal Myopathy – Tibial Muscular Dystrophy. Identifiers: Orphanet 609, MedGen C1838244, MONDO:0010870, OMIM 600334.
Early-onset myopathy with fatal cardiomyopathy (CMYO5). Also called: Salih Myopathy; CONGENITAL MYOPATHY 5 WITH CARDIOMYOPATHY. Identifiers: Orphanet 289377, MedGen C2673677, MONDO:0012714, OMIM 611705. Disease mechanism: loss of function.
Hypertrophic cardiomyopathy 9. Also called: Familial hypertrophic cardiomyopathy 9. Identifiers: MedGen C1861065, MONDO:0013412, OMIM 613765.
Myopathy, myofibrillar, 9, with early respiratory failure (MFM9). Also called: Hereditary myopathy with early respiratory failure; EDSTROM MYOPATHY; MYOPATHY, PROXIMAL, WITH EARLY RESPIRATORY MUSCLE INVOLVEMENT; Myopathy, distal, with early respiratory failure, autosomal dominant. Identifiers: Orphanet 178464, Orphanet 34521, MedGen C1863599, MONDO:0011362, OMIM 603689.

gnomAD v4.1: 4 of 1,613,456 alleles (0.00025%); highest among the groups gnomAD compares: Non-Finnish European, 0.00025%; no homozygotes.

Submissions (6):

Labcorp Genetics (formerly Invitae), Labcorp
Classification: Pathogenic for Dilated cardiomyopathy 1G; Autosomal recessive limb-girdle muscular dystrophy type 2J. Last evaluated: 2026-01-28. Review status: criteria provided, single submitter. Criteria: Invitae Variant Classification Sherloc (09022015). Collection method: clinical testing. Allele origin: germline.
Comment: This sequence change creates a premature translational stop signal (p.Arg28590*) in the TTN gene. While this is not anticipated to result in nonsense mediated decay, it is expected to create a truncated TTN protein. This variant is not present in population databases (gnomAD no frequency). This premature translational stop signal has been observed in individuals with dilated cardiomyopathy (PMID: 22335739, 26735901). This variant is also known as c.80845C>T. ClinVar contains an entry for this variant (Variation ID: 488732). This variant is located in the A band of TTN (PMID: 25589632). Truncating variants in this region are significantly overrepresented in patients affected with dilated cardiomyopathy (PMID: 25589632). Truncating variants in this region have also been reported in individuals affected with autosomal recessive centronuclear myopathy (PMID: 23975875). For these reasons, this variant has been classified as Pathogenic.

Ambry Genetics
Classification: Pathogenic for Cardiovascular phenotype. Last evaluated: 2025-04-10. Review status: criteria provided, single submitter. Criteria: Ambry Variant Classification Scheme 2023. Collection method: clinical testing. Allele origin: germline.
Comment: The p.R19525* pathogenic mutation (also known as c.58573C>T), located in coding exon 153 of the TTN gene, results from a C to T substitution at nucleotide position 58573. This changes the amino acid from an arginine to a stop codon within coding exon 153. This exon is located in the A-band region of the N2-B isoform of the titin protein and is constitutively expressed in TTN transcripts (percent spliced in or PSI 100%). This variant, noted as p.R26949* (c.80845C>T; NM_001256850.1), was reported in individual(s) with features consistent with dilated cardiomyopathy (DCM) (Herman DS et al. N Engl J Med, 2012 Feb;366:619-28; Li M et al. J Transl Med, 2021 May;19:189). This variant is expected to result in loss of function by premature protein truncation or nonsense-mediated mRNA decay. While truncating variants in TTN are present in 1-3% of the general population, truncating variants in the A-band are the most common cause of dilated cardiomyopathy (Herman DS et al. N. Engl. J. Med., 2012 Feb;366:619-28; Roberts AM et al. Sci Transl Med, 2015 Jan;7:270ra6). TTN truncating variants encoded in constitutive exons (PSI >90%) have been found to be significantly associated with DCM regardless of their position in titin (Schafer S et al. Nat. Genet., 2017 01;49:46-53; Akhtar MM et al. Circ Heart Fail, 2020 Oct;13:e006832; Massier M et al. Clin Genet, 2025 Jan). This variant is considered to be rare based on population cohorts in the Genome Aggregation Database (gnomAD). Based on the supporting evidence, this variant is interpreted as a disease-causing mutation.

Dasa
Classification: Pathogenic. Last evaluated: 2025-02-25. Review status: criteria provided, single submitter. Criteria: DASA Assertion Criteria. Collection method: clinical testing. Allele origin: germline.
Comment: NM_001267550.2(TTN):c.85768C>T (p.Arg28590*) introduces a premature termination codon predicted to result in loss of normal protein function. Loss-of-function is an established mechanism of disease for this gene. This variant has been recurrently observed in individuals with related phenotype (PMID: 22335739; PMID: 26735901; PMID: 38438525). The variant is present at low frequency in population datasets. Based on the available data, this variant is classified as pathogenic.

HudsonAlpha Institute for Biotechnology
Classification: Pathogenic for Dilated cardiomyopathy 1G; Hypertrophic cardiomyopathy 9; Early-onset myopathy with fatal cardiomyopathy; Autosomal recessive limb-girdle muscular dystrophy type 2J; Myopathy, myofibrillar, 9, with early respiratory failure; Tibial muscular dystrophy. Last evaluated: 2025-02-05. Review status: criteria provided, single submitter. Criteria: ACMG Guidelines, 2015. Collection method: research. Allele origin: maternal. Affected: yes. Observed: 1 variant allele. Study: AGHI-WGS-HudsonAlpha.

GeneDx
Classification: Pathogenic. Last evaluated: 2024-01-24. Review status: criteria provided, single submitter. Criteria: GeneDx Variant Classification Process June 2021. Collection method: clinical testing. Allele origin: germline. Affected: yes.
Comment: Identified in a patient with cancer therapy-induced cardiomyopathy (CCM) diagnosed with breast cancer and treated with doxorubicin who subsequently developed heart failure, ventricular tachycardia, and required heart transplant (PMID: 30987448); Identified in patients with DCM, peripartum cardiomyopathy, and LVNC in published literature and referred for genetic testing at GeneDx; also reported as p.(R26949X) and p.(R26022X) due to alternate nomenclature (PMID: 22335739, 26735901, 30471092, 34088380, 33874732, 33941202); Not observed at significant frequency in large population cohorts (gnomAD); Nonsense variant predicted to result in protein truncation or nonsense mediated decay in a gene for which loss of function is a known mechanism of disease; Located in the A-band region of TTN in which the majority of loss of function variants have been associated with autosomal dominant titinopathies (PMID: 22335739); This variant is associated with the following publications: (PMID: 25363768, 27956632, 28191890, 26735901, 34426522, 34088380, 30471092, 33874732, 33941202, 22335739, 30987448)

Mayo Clinic Laboratories, Mayo Clinic
Classification: Likely pathogenic. Last evaluated: 2024-01-11. Review status: criteria provided, single submitter. Criteria: ACMG Guidelines, 2015. Collection method: clinical testing. Allele origin: germline. Observed: 1 variant allele.
Comment: PM2, PVS1

Literature cited by the submitters: PubMed 22335739 (cited by 4 submitters); PubMed 26735901 (cited by 3 submitters); PubMed 25589632 (cited by Labcorp Genetics (formerly Invitae), Labcorp); PubMed 23975875 (cited by Labcorp Genetics (formerly Invitae), Labcorp); PubMed 33941202 (cited by Ambry Genetics and Mayo Clinic Laboratories, Mayo Clinic); PubMed 38438525 (cited by Dasa); PubMed 30471092 (cited by Mayo Clinic Laboratories, Mayo Clinic); PubMed 31691645 (cited by Mayo Clinic Laboratories, Mayo Clinic); PubMed 33874732 (cited by Mayo Clinic Laboratories, Mayo Clinic); PubMed 34088380 (cited by Mayo Clinic Laboratories, Mayo Clinic); PubMed 34461741 (cited by Mayo Clinic Laboratories, Mayo Clinic); PubMed 36264615 (cited by Mayo Clinic Laboratories, Mayo Clinic).